The following is an entry in ClinVar:

NM_152415.3(VPS37A):c.126-1G>C

Gene: VPS37A (VPS37A subunit of ESCRT-I; plus strand). Cytogenetic location: 8p22.
Variant type: single nucleotide variant.
Coding change: c.126-1G>C on transcript NM_152415.3 (MANE Select); the canonical splice acceptor site of the intron before coding-DNA position 126, G replaced by C.
Molecular consequence: splice acceptor variant. On other transcripts: intron variant (3).
Genome position (GRCh38, 1-based): chr8:17,265,906, G>C. VCF-style: chr8-17265906-G-C. GRCh37 (hg19) VCF-style: chr8-17123415-G-C.
Other names: c.-145-1G>C (NM_001363172.2, NM_001363168.1, NM_001363170.1); c.126-1G>C (NM_001363173.2, NM_001363167.1); c.-140-6G>C (NM_001363169.1, NM_001363171.1); c.126-2352G>C (NM_001145152.2).
Identifiers: ClinVar variation 2117026 (VCV002117026.4), dbSNP rs2486873163, ClinGen allele CA370405862.

ClinVar aggregate classification (germline): Uncertain significance (1 of 4 stars; one submission).

Conditions:
Hereditary spastic paraplegia 53. Also called: Spastic paraplegia 53, autosomal recessive. Identifiers: Orphanet 319199, MedGen C3539494, MONDO:0013962, OMIM 614898.

Submission:

Labcorp Genetics (formerly Invitae), Labcorp
Classification: Uncertain significance for Hereditary spastic paraplegia 53. Last evaluated: 2024-10-25. Review status: criteria provided, single submitter. Criteria: Invitae Variant Classification Sherloc (09022015). Collection method: clinical testing. Allele origin: germline.
Comment: This sequence change affects an acceptor splice site in intron 1 of the VPS37A gene. It is expected to disrupt RNA splicing. Variants that disrupt the donor or acceptor splice site typically lead to a loss of protein function (PMID: 16199547), however the current clinical and genetic evidence is not sufficient to establish whether loss-of-function variants in VPS37A cause disease. This variant is not present in population databases (gnomAD no frequency). This variant has not been reported in the literature in individuals affected with VPS37A-related conditions. ClinVar contains an entry for this variant (Variation ID: 2117026). Algorithms developed to predict the effect of sequence changes on RNA splicing suggest that this variant may disrupt the consensus splice site. In summary, the available evidence is currently insufficient to determine the role of this variant in disease. Therefore, it has been classified as a Variant of Uncertain Significance.

Literature cited by the submitters: PubMed 16199547.